The following is an entry in ClinVar:

NM_004237.4(TRIP13):c.1039C>T (p.Arg347Cys)

Gene: TRIP13 (thyroid hormone receptor interactor 13; plus strand). Cytogenetic location: 5p15.33.
Variant type: single nucleotide variant.
Coding change: c.1039C>T on transcript NM_004237.4 (MANE Select); coding-DNA position 1039, C replaced by T.
Protein change: p.Arg347Cys; replaces arginine 347 with cysteine.
Molecular consequence: missense variant.
Genome position (GRCh38, 1-based): chr5:914,483, C>T. VCF-style: chr5-914483-C-T. GRCh37 (hg19) VCF-style: chr5-914598-C-T.
Other names: c.1039C>T (NM_004237.3); short protein forms R347C.
Identifiers: ClinVar variation 2819996 (VCV002819996.4), dbSNP rs951037088, ClinGen allele CA112875733.

ClinVar aggregate classification (germline): Uncertain significance. Review status: criteria provided, multiple submitters, no conflicts (2 of 4 stars). 2 submissions from 2 submitters: Uncertain significance (2). Last evaluated 2025-08-20.

Allele frequency attached by ClinVar (database versions not stated): gnomAD 0.00001; gnomAD exomes 0.00001.
gnomAD v4.1: 21 of 1,613,038 alleles (0.0013%); highest among the groups gnomAD compares: Middle Eastern, 0.016%; no homozygotes.

Submissions (2):

Ambry Genetics
Classification: Uncertain significance. Last evaluated: 2025-08-20. Review status: criteria provided, single submitter. Criteria: Ambry Variant Classification Scheme 2023. Collection method: clinical testing. Allele origin: germline.

Labcorp Genetics (formerly Invitae), Labcorp
Classification: Uncertain significance. Last evaluated: 2023-12-13. Review status: criteria provided, single submitter. Criteria: Invitae Variant Classification Sherloc (09022015). Collection method: clinical testing. Allele origin: germline.
Comment: This sequence change replaces arginine, which is basic and polar, with cysteine, which is neutral and slightly polar, at codon 347 of the TRIP13 protein (p.Arg347Cys). This variant is present in population databases (no rsID available, gnomAD 0.06%). This variant has not been reported in the literature in individuals affected with TRIP13-related conditions. An algorithm developed to predict the effect of missense changes on protein structure and function (PolyPhen-2) suggests that this variant is likely to be tolerated. In summary, the available evidence is currently insufficient to determine the role of this variant in disease. Therefore, it has been classified as a Variant of Uncertain Significance.